The following is an entry in ClinVar:

ClinVar aggregate classification (germline): Benign. Review status: criteria provided, multiple submitters, no conflicts (2 of 4 stars). 3 submissions from 2 submitters: Benign (3). Last evaluated 2018-08-30.

Conditions:
Hypophosphatemic rickets, autosomal recessive, 2 (ARHR2). Identifiers: Orphanet 289176, MedGen C2750078, MONDO:0013219, OMIM 613312.
Arterial calcification, generalized, of infancy, 1 (GACI1). Also called: Idiopathic Infantile Arterial Calcification. Identifiers: Orphanet 51608, MedGen C4551985, MONDO:0008817, OMIM 208000.

Allele frequency attached by ClinVar (database versions not stated): TOPMed 0.07775; 1000 Genomes Project 0.07887; 1000 Genomes Project 30x 0.08214.
gnomAD v4.1: 29,942 of 854,590 alleles (3.5%); highest among the groups gnomAD compares: African/African-American, 21%; 1,548 homozygotes.

Submissions (3):

GeneDx
Classification: Benign. Last evaluated: 2018-08-30. Review status: criteria provided, single submitter. Criteria: GeneDx Variant Classification Process June 2021. Collection method: clinical testing. Allele origin: germline. Affected: yes.

Illumina Laboratory Services, Illumina
Classification: Benign for Arterial calcification, generalized, of infancy, 1. Last evaluated: 2018-01-13. Review status: criteria provided, single submitter. Criteria: ICSL Variant Classification Criteria 13 December 2019. Collection method: clinical testing. Allele origin: germline.
Comment: This variant was observed in the ICSL laboratory as part of a predisposition screen in an ostensibly healthy population. It had not been previously curated by ICSL or reported in the Human Gene Mutation Database (HGMD: prior to June 1st, 2018), and was therefore a candidate for classification through an automated scoring system. Utilizing variant allele frequency, disease prevalence and penetrance estimates, and inheritance mode, an automated score was calculated to assess if this variant is too frequent to cause the disease. Based on the score and internal cut-off values, a variant classified as benign is not then subjected to further curation. The score for this variant resulted in a classification of benign for this disease.

Illumina Laboratory Services, Illumina
Classification: Benign for Hypophosphatemic rickets, autosomal recessive, 2. Last evaluated: 2018-01-13. Review status: criteria provided, single submitter. Criteria: ICSL Variant Classification Criteria 13 December 2019. Collection method: clinical testing. Allele origin: germline.
Comment: the same text as in the submission from Illumina Laboratory Services, Illumina above.

NM_006208.3(ENPP1):c.*121G>C

Gene: ENPP1 (ectonucleotide pyrophosphatase/phosphodiesterase 1; plus strand). Cytogenetic location: 6q23.2.
Variant type: single nucleotide variant.
Coding change: c.*121G>C on transcript NM_006208.3 (MANE Select); 121 bases downstream of the stop codon, G replaced by C.
Molecular consequence: 3 prime UTR variant.
Genome position (GRCh38, 1-based): chr6:131,890,632, G>C. VCF-style: chr6-131890632-G-C. GRCh37 (hg19) VCF-style: chr6-132211772-G-C.
Identifiers: ClinVar variation 355358 (VCV000355358.8), dbSNP rs11964389, ClinGen allele CA10621408.